The following is an entry in ClinVar:

NM_000535.7(PMS2):c.2224A>G (p.Asn742Asp)

Gene: PMS2 (PMS1 homolog 2, mismatch repair system component; minus strand). Cytogenetic location: 7p22.1.
Variant type: single nucleotide variant.
Coding change: c.2224A>G on transcript NM_000535.7 (MANE Select); coding-DNA position 2224, A replaced by G.
Protein change: p.Asn742Asp; replaces asparagine 742 with aspartic acid.
Molecular consequence: missense variant. On other transcripts: non-coding transcript variant (1).
Genome position (GRCh38, 1-based): chr7:5,978,647, T>C on the plus strand (A>G on the coding strand, the complement: PMS2 is on the minus strand). VCF-style: chr7-5978647-T-C. GRCh37 (hg19) VCF-style: chr7-6018278-T-C.
Other names: c.1819A>G, p.Asn607Asp (NM_001018040.1, NM_001322003.2, NM_001322004.2 and 15 more transcripts); c.2068A>G, p.Asn690Asp (NM_001322006.2, NM_001406870.1); c.1906A>G, p.Asn636Asp (NM_001322007.2, NM_001322008.2, NM_001406876.1 and 1 more transcripts); c.1663A>G, p.Asn555Asp (NM_001322010.2, NM_001406906.1, NM_001406907.1); c.1291A>G, p.Asn431Asp (NM_001322011.2, NM_001322012.2); c.1651A>G, p.Asn551Asp (NM_001322013.2, NM_001406908.1, NM_001406909.1); c.2224A>G, p.Asn742Asp (NM_001322014.2); c.1915A>G, p.Asn639Asp (NM_001322015.2, NM_001406875.1, NM_001406877.1 and 5 more transcripts); and 14 more; short protein forms N584D, N630D, N636D, N686D, N750D, N804D, N485D, N551D.
Identifiers: ClinVar variation 1787971 (VCV001787971.2), dbSNP rs2535393350, ClinGen allele CA366736731.
Genomic context (GRCh38, chr7:5,978,647, plus strand): 5'-ATAACTTACCATTTTCATCGATAACAAAATCAAAGCCATTCTTTCTAAATATTTCCAGAT[T>C]TTCTATCAGAACAGCTTCATTAACAGCAGTTAAGTTGAGAGTCTGAGGTCTGAAAAACAC-3'
Protein context (NP_000526.2, residues 732-752): TAVNEAVLIE[Asn742Asp]LEIFRKNGFD

ClinVar aggregate classification (germline): Uncertain significance (1 of 4 stars; one submission).

Conditions:
Hereditary cancer-predisposing syndrome. Also called: Neoplastic Syndromes, Hereditary; Tumor predisposition; Hereditary Cancer Syndrome; Hereditary neoplastic syndrome. Identifiers: Orphanet 140162, MedGen C0027672, MeSH D009386, MONDO:0015356.

Submission:

Ambry Genetics
Classification: Uncertain significance for Hereditary cancer-predisposing syndrome. Last evaluated: 2022-02-23. Review status: criteria provided, single submitter. Criteria: Ambry Variant Classification Scheme 2023. Collection method: clinical testing. Allele origin: germline.
Comment: The p.N742D variant (also known as c.2224A>G), located in coding exon 13 of the PMS2 gene, results from an A to G substitution at nucleotide position 2224. The asparagine at codon 742 is replaced by aspartic acid, an amino acid with highly similar properties. This amino acid position is conserved. In addition, the in silico prediction for this alteration is inconclusive. Since supporting evidence is limited at this time, the clinical significance of this alteration remains unclear.